The following is an entry in ClinVar:

NM_000077.5(CDKN2A):c.397G>T (p.Ala133Ser)

Gene: CDKN2A (cyclin dependent kinase inhibitor 2A; minus strand). Cytogenetic location: 9p21.3.
Variant type: single nucleotide variant.
Coding change: c.397G>T on transcript NM_000077.5; coding-DNA position 397, G replaced by T.
Protein change: p.Ala133Ser; replaces alanine 133 with serine.
Molecular consequence: missense variant (on NM_000077.6). On other transcripts: 3 prime UTR variant (2).
Genome position (GRCh38, 1-based): chr9:21,970,962, C>A on the plus strand (G>T on the coding strand, the complement: CDKN2A is on the minus strand). VCF-style: chr9-21970962-C-A. GRCh37 (hg19) VCF-style: chr9-21970961-C-A.
Other names: c.397G>T, p.Ala133Ser (NM_000077.6, NM_001195132.2); c.244G>T, p.Ala82Ser (NM_001363763.2); c.*41G>T (NM_058195.4); c.*320G>T (NM_058197.5); short protein forms A133S, A82S.
Identifiers: ClinVar variation 933583 (VCV000933583.10), dbSNP rs1201199303, ClinGen allele CA373085916.

ClinVar aggregate classification (germline): Uncertain significance. Review status: criteria provided, multiple submitters, no conflicts (2 of 4 stars). 2 submissions from 2 submitters: Uncertain significance (2). Last evaluated 2025-05-22.

Conditions:
Hereditary cancer-predisposing syndrome. Also called: Hereditary neoplastic syndrome; Hereditary Cancer Syndrome; Neoplastic Syndromes, Hereditary; Tumor predisposition. Identifiers: Orphanet 140162, MedGen C0027672, MeSH D009386, MONDO:0015356.
Familial melanoma. Also called: Hereditary melanoma; Hereditary cutaneous melanoma. Identifiers: Orphanet 618, MedGen C1512419, MONDO:0018961.

Allele frequency attached by ClinVar (database versions not stated): TOPMed below 0.00001.

Submissions (2):

Ambry Genetics
Classification: Uncertain significance for Hereditary cancer-predisposing syndrome. Last evaluated: 2025-05-22. Review status: criteria provided, single submitter. Criteria: Ambry Variant Classification Scheme 2023. Collection method: clinical testing. Allele origin: germline.
Comment: The p.A133S variant (also known as c.397G>T), located in coding exon 2 of the CDKN2A gene, results from a G to T substitution at nucleotide position 397. The alanine at codon 133 is replaced by serine, an amino acid with similar properties. This amino acid position is not well conserved in available vertebrate species. In addition, this alteration is predicted to be tolerated by in silico analysis. Based on the available evidence, the clinical significance of this variant remains unclear.

Labcorp Genetics (formerly Invitae), Labcorp
Classification: Uncertain significance for Familial melanoma. Last evaluated: 2024-05-13. Review status: criteria provided, single submitter. Criteria: Invitae Variant Classification Sherloc (09022015). Collection method: clinical testing. Allele origin: germline.
Comment: This sequence change replaces alanine, which is neutral and non-polar, with serine, which is neutral and polar, at codon 133 of the CDKN2A (p16INK4a) protein (p.Ala133Ser). This variant is not present in population databases (gnomAD no frequency). This variant has not been reported in the literature in individuals affected with CDKN2A (p16INK4a)-related conditions. ClinVar contains an entry for this variant (Variation ID: 933583). An algorithm developed to predict the effect of missense changes on protein structure and function (PolyPhen-2) suggests that this variant is likely to be tolerated. In summary, the available evidence is currently insufficient to determine the role of this variant in disease. Therefore, it has been classified as a Variant of Uncertain Significance.